The following is an entry in ClinVar:

NM_017662.5(TRPM6):c.673G>A (p.Val225Met)

Gene: TRPM6 (transient receptor potential cation channel subfamily M member 6; minus strand). Cytogenetic location: 9q21.13.
Variant type: single nucleotide variant.
Coding change: c.673G>A on transcript NM_017662.5 (MANE Select); coding-DNA position 673, G replaced by A.
Protein change: p.Val225Met; replaces valine 225 with methionine.
Molecular consequence: missense variant.
Genome position (GRCh38, 1-based): chr9:74,827,946, C>T on the plus strand (G>A on the coding strand, the complement: TRPM6 is on the minus strand). VCF-style: chr9-74827946-C-T. GRCh37 (hg19) VCF-style: chr9-77442862-C-T.
Other names: c.658G>A, p.Val220Met (NM_001177310.2, NM_001177311.2); short protein forms V225M, V220M.
Identifiers: ClinVar variation 1962605 (VCV001962605.7), dbSNP rs139476357, ClinGen allele CA373695000.

ClinVar aggregate classification (germline): Uncertain significance. Review status: criteria provided, multiple submitters, no conflicts (2 of 4 stars). 2 submissions from 2 submitters: Uncertain significance (2). Last evaluated 2025-09-04.

Conditions:
Inborn genetic diseases. Identifiers: MedGen C0950123, MeSH D030342.

Submissions (2):

Ambry Genetics
Classification: Uncertain significance for Inborn genetic diseases. Last evaluated: 2025-09-04. Review status: criteria provided, single submitter. Criteria: Ambry Variant Classification Scheme 2023. Collection method: clinical testing. Allele origin: germline.

Labcorp Genetics (formerly Invitae), Labcorp
Classification: Uncertain significance. Last evaluated: 2025-06-12. Review status: criteria provided, single submitter. Criteria: Invitae Variant Classification Sherloc (09022015). Collection method: clinical testing. Allele origin: germline.
Comment: This sequence change replaces valine, which is neutral and non-polar, with methionine, which is neutral and non-polar, at codon 225 of the TRPM6 protein (p.Val225Met). This variant is present in population databases (no rsID available, gnomAD 0.02%). This variant has not been reported in the literature in individuals affected with TRPM6-related conditions. ClinVar contains an entry for this variant (Variation ID: 1962605). Invitae Evidence Modeling of protein sequence and biophysical properties (such as structural, functional, and spatial information, amino acid conservation, physicochemical variation, residue mobility, and thermodynamic stability) indicates that this missense variant is not expected to disrupt TRPM6 protein function with a negative predictive value of 80%. In summary, the available evidence is currently insufficient to determine the role of this variant in disease. Therefore, it has been classified as a Variant of Uncertain Significance.